The following is an entry in ClinVar:

ClinVar aggregate classification (germline): Conflicting classifications of pathogenicity. Review status: criteria provided, conflicting classifications (1 of 4 stars). 4 submissions from 4 submitters: Uncertain significance (1); Benign (1); Likely benign (2). Last evaluated 2025-12-19.

Conditions:
Bethlem myopathy 1A. Also called: MYOPATHY, BENIGN CONGENITAL, WITH CONTRACTURES; Bethlem Muscular Dystrophy; Bethlem myopathy 1. Identifiers: Orphanet 610, MedGen CN029274, MONDO:0024530, OMIM 158810.

Allele frequency attached by ClinVar (database versions not stated): gnomAD exomes 0.00009 and 0.00017; ExAC 0.00025; ESP Exome Variant Server 0.00069; gnomAD 0.00074 and 0.00078; 1000 Genomes Project 30x 0.00078; 1000 Genomes Project 0.00080; TOPMed 0.00080.
gnomAD v4.1: 244 of 1,612,428 alleles (0.015%); highest among the groups gnomAD compares: African/African-American, 0.28%; 2 homozygotes.

Submissions (4):

Labcorp Genetics (formerly Invitae), Labcorp
Classification: Benign for Bethlem myopathy 1A. Last evaluated: 2025-12-19. Review status: criteria provided, single submitter. Criteria: Invitae Variant Classification Sherloc (09022015). Collection method: clinical testing. Allele origin: germline.

CeGaT Center for Human Genetics Tuebingen
Classification: Likely benign. Last evaluated: 2025-11-01. Review status: criteria provided, single submitter. Criteria: CeGaT Center For Human Genetics Tuebingen Variant Classification Criteria Version 2. Collection method: clinical testing. Allele origin: germline. Affected: yes. Observed: 1 variant allele.
Comment: COL6A1: BP4, BP7

GeneDx
Classification: Likely benign. Last evaluated: 2020-01-14. Review status: criteria provided, single submitter. Criteria: GeneDx Variant Classification Process June 2021. Collection method: clinical testing. Allele origin: germline. Affected: yes.

Eurofins Ntd Llc (ga)
Classification: Uncertain significance. Last evaluated: 2016-10-26. Review status: criteria provided, single submitter. Criteria: EGL Classification Definitions 2015. Collection method: clinical testing. Allele origin: germline. Observed: 2 variant alleles, 2 heterozygotes.

NM_001848.3(COL6A1):c.381C>T (p.Thr127=)

Gene: COL6A1 (collagen type VI alpha 1 chain; plus strand). Cytogenetic location: 21q22.3.
Variant type: single nucleotide variant.
Coding change: c.381C>T on transcript NM_001848.3 (MANE Select); coding-DNA position 381, C replaced by T.
Protein change: p.Thr127=; no amino-acid change (threonine 127 retained).
Molecular consequence: synonymous variant.
Genome position (GRCh38, 1-based): chr21:45,984,422, C>T. VCF-style: chr21-45984422-C-T. GRCh37 (hg19) VCF-style: chr21-47404336-C-T.
Identifiers: ClinVar variation 497385 (VCV000497385.26), dbSNP rs75180385, ClinGen allele CA10069549.